The following is an entry in ClinVar:

NM_006231.4(POLE):c.2534A>G (p.Gln845Arg)

Gene: POLE (DNA polymerase epsilon, catalytic subunit; minus strand). Cytogenetic location: 12q24.33.
Variant type: single nucleotide variant.
Coding change: c.2534A>G on transcript NM_006231.4 (MANE Select); coding-DNA position 2534, A replaced by G.
Protein change: p.Gln845Arg; replaces glutamine 845 with arginine.
Molecular consequence: missense variant.
Genome position (GRCh38, 1-based): chr12:132,664,397, T>C on the plus strand (A>G on the coding strand, the complement: POLE is on the minus strand). VCF-style: chr12-132664397-T-C. GRCh37 (hg19) VCF-style: chr12-133240983-T-C.
Other names: short protein forms Q845R.
Identifiers: ClinVar variation 4760479 (VCV004760479.1).
Genomic context (GRCh38, chr12:132,664,397, plus strand): 5'-CTCCCAGCCCCACGGCTCCCCTTCTGCACTCACCCAATCTGCTCGATCAGCTCCCGTGCC[T>C]GGGTGATGATGTTGGCCCCTGTGAAGCAGACGATGCCAGCCATCTCCATGGAGTACCAGC-3'
Protein context (NP_006222.2, residues 835-855): VCFTGANIIT[Gln845Arg]ARELIEQIGR

ClinVar aggregate classification (germline): Uncertain significance (1 of 4 stars; one submission).

Submission:

Labcorp Genetics (formerly Invitae), Labcorp
Classification: Uncertain significance. Last evaluated: 2025-06-30. Review status: criteria provided, single submitter. Criteria: Invitae Variant Classification Sherloc (09022015). Collection method: clinical testing. Allele origin: germline.
Comment: This sequence change replaces glutamine, which is neutral and polar, with arginine, which is basic and polar, at codon 845 of the POLE protein (p.Gln845Arg). This variant is not present in population databases (gnomAD no frequency). This variant has not been reported in the literature in individuals affected with POLE-related conditions. Invitae Evidence Modeling of protein sequence and biophysical properties (such as structural, functional, and spatial information, amino acid conservation, physicochemical variation, residue mobility, and thermodynamic stability) indicates that this missense variant is not expected to disrupt POLE protein function with a negative predictive value of 80%. In summary, the available evidence is currently insufficient to determine the role of this variant in disease. Therefore, it has been classified as a Variant of Uncertain Significance.